The following is an entry in ClinVar:

ClinVar aggregate classification (germline): Uncertain significance. Review status: criteria provided, multiple submitters, no conflicts (2 of 4 stars). 3 submissions from 3 submitters: Uncertain significance (2). 1 of the submissions does not count toward it. Last evaluated 2026-03-10.

Conditions:
VPS13B-related disorder. Also called: VPS13B-related condition.
Cohen syndrome (COH1). Also called: Cutis verticis gyrata, retinitis pigmentosa, and sensorineural deafness; PEPPER SYNDROME. Identifiers: Orphanet 193, MedGen C0265223, MONDO:0008999, OMIM 216550.

Allele frequency attached by ClinVar (database versions not stated): gnomAD exomes below 0.00001 and 0.00001; gnomAD 0.00001.
gnomAD v4.1: 9 of 1,613,962 alleles (0.00056%); highest among the groups gnomAD compares: Middle Eastern, 0.049%; no homozygotes.

Submissions (3):

PreventionGenetics, part of Exact Sciences
Classification: Uncertain significance for VPS13B-related condition. Last evaluated: 2026-03-10. Review status: criteria provided, single submitter. Criteria: ACMG Guidelines, 2015. Collection method: clinical testing. Allele origin: germline.
Comment: The VPS13B c.6808A>T variant is predicted to result in the amino acid substitution p.Ser2270Cys. To our knowledge, this variant has not been reported in the literature. This variant is reported in 0.00088% of alleles in individuals of European (Non-Finnish) descent in gnomAD. At this time, the clinical significance of this variant is uncertain due to the absence of conclusive functional and genetic evidence.

Labcorp Genetics (formerly Invitae), Labcorp
Classification: Uncertain significance for Cohen syndrome. Last evaluated: 2022-09-01. Review status: criteria provided, single submitter. Criteria: Invitae Variant Classification Sherloc (09022015). Collection method: clinical testing. Allele origin: germline.
Comment: This sequence change replaces serine, which is neutral and polar, with cysteine, which is neutral and slightly polar, at codon 2295 of the VPS13B protein (p.Ser2295Cys). This variant is present in population databases (no rsID available, gnomAD 0.0009%). This variant has not been reported in the literature in individuals affected with VPS13B-related conditions. ClinVar contains an entry for this variant (Variation ID: 1040491). Algorithms developed to predict the effect of missense changes on protein structure and function are either unavailable or do not agree on the potential impact of this missense change (SIFT: "Not Available"; PolyPhen-2: "Benign"; Align-GVGD: "Not Available"). In summary, the available evidence is currently insufficient to determine the role of this variant in disease. Therefore, it has been classified as a Variant of Uncertain Significance.

Natera, Inc.
Classification: Uncertain significance for Cohen syndrome. Last evaluated: 2020-02-04. Review status: no assertion criteria provided. Collection method: clinical testing. Allele origin: germline. Not counted in ClinVar's aggregate classification.

NM_152564.5(VPS13B):c.6808A>T (p.Ser2270Cys)

Gene: VPS13B (vacuolar protein sorting 13 homolog B; plus strand). Cytogenetic location: 8q22.2.
Variant type: single nucleotide variant.
Coding change: c.6808A>T on transcript NM_152564.5 (MANE Select); coding-DNA position 6808, A replaced by T.
Protein change: p.Ser2270Cys; replaces serine 2270 with cysteine.
Molecular consequence: missense variant.
Genome position (GRCh38, 1-based): chr8:99,720,495, A>T. VCF-style: chr8-99720495-A-T. GRCh37 (hg19) VCF-style: chr8-100732723-A-T.
Other names: c.6883A>T, p.Ser2295Cys (NM_017890.5); c.6808A>T (NM_152564.4); short protein forms S2270C, S2295C.
Identifiers: ClinVar variation 1040491 (VCV001040491.10), dbSNP rs1445900590, ClinGen allele CA371867855.